The following is an entry in ClinVar:

ClinVar aggregate classification (germline): Likely pathogenic. Review status: criteria provided, multiple submitters, no conflicts (2 of 4 stars). 3 submissions from 3 submitters: Likely pathogenic (2). 1 of the submissions does not count toward it. Last evaluated 2025-10-07.

Conditions:
Tuberous sclerosis 2 (TSC2). Identifiers: Orphanet 805, MedGen C1860707, MONDO:0013199, OMIM 613254.
Tuberous sclerosis syndrome (TSC). Also called: Tuberous Sclerosis Complex; Tuberous sclerosis. Identifiers: Orphanet 805, MedGen C0041341, MONDO:0001734.

Submissions (3):

Labcorp Genetics (formerly Invitae), Labcorp
Classification: Likely pathogenic for Tuberous sclerosis 2. Last evaluated: 2025-10-07. Review status: criteria provided, single submitter. Criteria: Invitae Variant Classification Sherloc (09022015). Collection method: clinical testing. Allele origin: germline.
Comment: This sequence change falls in intron 10 of the TSC2 gene. It does not directly change the encoded amino acid sequence of the TSC2 protein. This variant is not present in population databases (gnomAD no frequency). This variant has been observed in individual(s) with clinical features of tuberous sclerosis complex (PMID: 37356622; internal data). ClinVar contains an entry for this variant (Variation ID: 65256). Algorithms developed to predict the effect of sequence changes on RNA splicing suggest that this variant may disrupt the consensus splice site. In summary, the currently available evidence indicates that the variant is pathogenic, but additional data are needed to prove that conclusively. Therefore, this variant has been classified as Likely Pathogenic.

GeneDx
Classification: Likely pathogenic. Last evaluated: 2025-09-18. Review status: criteria provided, single submitter. Criteria: GeneDx Variant Classification Process June 2021. Collection method: clinical testing. Allele origin: germline. Affected: yes.
Comment: RNA studies demonstrate c.976-14G>A results in skipping of exon 11 and the in-frame deletion of 48 amino acids (PMID: 37356622); In silico analysis supports a deleterious effect on splicing; Not observed at significant frequency in large population cohorts (gnomAD); This variant is associated with the following publications: (PMID: 37356622)

Tuberous sclerosis database (TSC2)
No classification provided. Condition: TSC. Review status: no classification provided. Criteria: Tuberous Sclerosis Database Assertion Criteria 2015. Collection method: curation. Allele origin: germline. Affected: yes. Not counted in ClinVar's aggregate classification.

Literature cited by the submitters: PubMed 37356622 (cited by Labcorp Genetics (formerly Invitae), Labcorp).

NM_000548.5(TSC2):c.976-14G>A

Gene: TSC2 (TSC complex subunit 2; plus strand). Cytogenetic location: 16p13.3.
Variant type: single nucleotide variant.
Coding change: c.976-14G>A on transcript NM_000548.5 (MANE Select); 14 bases into the intron before coding-DNA position 976, G replaced by A.
Molecular consequence: intron variant.
Genome position (GRCh38, 1-based): chr16:2,060,656, G>A. VCF-style: chr16-2060656-G-A. GRCh37 (hg19) VCF-style: chr16-2110657-G-A.
Other names: c.976-14G>A (NM_001114382.3, NM_021055.3, NM_001370405.1 and 3 more transcripts); c.865-14G>A (NM_001318827.2); c.376-14G>A (NM_001318831.2); c.829-14G>A (NM_001318829.2); c.1009-14G>A (NM_001318832.2).
Identifiers: ClinVar variation 65256 (VCV000065256.4), dbSNP rs397515186, ClinGen allele CA023216.